The following is an entry in ClinVar:

ClinVar aggregate classification (germline): Uncertain significance (1 of 4 stars; one submission).

Submission:

Labcorp Genetics (formerly Invitae), Labcorp
Classification: Uncertain significance. Last evaluated: 2023-08-30. Review status: criteria provided, single submitter. Criteria: Invitae Variant Classification Sherloc (09022015). Collection method: clinical testing. Allele origin: germline.
Comment: Variants that disrupt the consensus splice site are a relatively common cause of aberrant splicing (PMID: 17576681, 9536098). Algorithms developed to predict the effect of sequence changes on RNA splicing suggest that this variant may disrupt the consensus splice site. In summary, the available evidence is currently insufficient to determine the role of this variant in disease. Therefore, it has been classified as a Variant of Uncertain Significance. This variant has not been reported in the literature in individuals affected with UNC80-related conditions. This variant is not present in population databases (gnomAD no frequency). This sequence change falls in intron 42 of the UNC80 gene. It does not directly change the encoded amino acid sequence of the UNC80 protein. It affects a nucleotide within the consensus splice site.

Literature cited by the submitters: PubMed 17576681; PubMed 9536098.

NM_001371986.1(UNC80):c.6646+2_6646+3insTTGATCCTCAAG

Gene: UNC80 (unc-80 subunit of NALCN channel complex; plus strand). Cytogenetic location: 2q34.
Variant type: Insertion.
Coding change: c.6646+2_6646+3insTTGATCCTCAAG on transcript NM_001371986.1 (MANE Select); the canonical splice donor site of the intron after coding-DNA position 6646 through 3 bases into the intron after coding-DNA position 6646, TTGATCCTCAAG inserted.
Molecular consequence: intron variant.
Genome position: GRCh38 VCF-style: chr2-209939654-T-TTTGATCCTCAAG. GRCh37 (hg19) VCF-style: chr2-210804378-T-TTTGATCCTCAAG.
Other names: c.6448+2_6448+3insTTGATCCTCAAG (NM_032504.2); c.6433+2_6433+3insTTGATCCTCAAG (NM_182587.4).
Identifiers: ClinVar variation 2837434 (VCV002837434.3), dbSNP rs2471166163, ClinGen allele CA2739279004.
Genomic context (GRCh38, chr2:209,939,654, plus strand): 5'-GCCCTCATTCCCTCGTAGTGCTATTGATGCTGAGTTTTCACTCTTCAGTGATCCTCAAGG[T>TTTGATCCTCAAG]ATCAAACAAAGAAACATTGCCTCTCTGGGGCTTTTTCTAACACACTTGTTGTTTTTTTTT-3'